The following is an entry in ClinVar:

ClinVar aggregate classification (germline): Pathogenic/Likely pathogenic. Review status: criteria provided, multiple submitters, no conflicts (2 of 4 stars). 5 submissions from 5 submitters: Pathogenic (4); Likely pathogenic (1). Last evaluated 2025-12-11.

Conditions:
Spastic paraplegia. Identifiers: MedGen C0037772, HP:0001258.
Intellectual developmental disorder, X-linked, syndromic, Claes-Jensen type. Also called: INTELLECTUAL DEVELOPMENTAL DISORDER, X-LINKED, SYNDROMIC 16; MENTAL RETARDATION, X-LINKED, SYNDROMIC 16; Syndromic X-linked intellectual disability Claes-Jensen type. Identifiers: Orphanet 85279, MedGen C1845243, MONDO:0010355, OMIM 300534.

Submissions (5):

Medical and Scientific Branch, Hong Kong Genome Institute
Classification: Pathogenic for Intellectual developmental disorder, X-linked, syndromic, Claes-Jensen type. Last evaluated: 2025-12-11. Review status: criteria provided, single submitter. Criteria: ACMG Guidelines, 2015. Collection method: clinical testing. Allele origin: de novo. Affected: yes.

Labcorp Genetics (formerly Invitae), Labcorp
Classification: Pathogenic for Spastic paraplegia. Last evaluated: 2025-10-02. Review status: criteria provided, single submitter. Criteria: Invitae Variant Classification Sherloc (09022015). Collection method: clinical testing. Allele origin: germline.
Comment: This sequence change creates a premature translational stop signal (p.Arg681*) in the KDM5C gene. It is expected to result in an absent or disrupted protein product. Loss-of-function variants in KDM5C are known to be pathogenic (PMID: 15586325, 18697827). This variant is not present in population databases (gnomAD no frequency). This premature translational stop signal has been observed in individual(s) with clinical features of hereditary spastic paraparesis (internal data). ClinVar contains an entry for this variant (Variation ID: 992316). For these reasons, this variant has been classified as Pathogenic.

GeneDx
Classification: Pathogenic. Last evaluated: 2025-02-13. Review status: criteria provided, single submitter. Criteria: GeneDx Variant Classification Process June 2021. Collection method: clinical testing. Allele origin: germline. Affected: yes.
Comment: Nonsense variant predicted to result in protein truncation or nonsense mediated decay in a gene for which loss of function is a known mechanism of disease; Not observed at significant frequency in large population cohorts (gnomAD); This variant is associated with the following publications: (PMID: 35904121, 35982159, 38318287)

Institute of Medical Genetics and Applied Genomics, University Hospital Tübingen
Classification: Pathogenic. Last evaluated: 2021-02-01. Review status: criteria provided, single submitter. Criteria: ACMG Guidelines, 2015. Collection method: clinical testing. Allele origin: germline. Inheritance: X-linked recessive inheritance. Affected: yes.

Greenwood Genetic Center Diagnostic Laboratories, Greenwood Genetic Center
Classification: Likely pathogenic. Last evaluated: 2020-10-16. Review status: criteria provided, single submitter. Criteria: ACMG Guidelines, 2015. Collection method: clinical testing. Allele origin: germline. Affected: yes.

Literature cited by the submitters: PubMed 15586325 (cited by Labcorp Genetics (formerly Invitae), Labcorp); PubMed 18697827 (cited by Labcorp Genetics (formerly Invitae), Labcorp).

NM_004187.5(KDM5C):c.2041C>T (p.Arg681Ter)

Gene: KDM5C (lysine demethylase 5C; minus strand). Cytogenetic location: Xp11.22.
Variant type: single nucleotide variant.
Coding change: c.2041C>T on transcript NM_004187.5 (MANE Select); coding-DNA position 2041, C replaced by T.
Protein change: p.Arg681Ter; replaces arginine 681 with a stop codon.
Molecular consequence: nonsense. On other transcripts: non-coding transcript variant (3).
Genome position (GRCh38, 1-based): chrX:53,201,570, G>A on the plus strand (C>T on the coding strand, the complement: KDM5C is on the minus strand). VCF-style: chrX-53201570-G-A. GRCh37 (hg19) VCF-style: chrX-53230752-G-A.
Other names: c.1840C>T, p.Arg614Ter (NM_001146702.2); c.2038C>T, p.Arg680Ter (NM_001282622.3, NM_001353979.2, NM_001353982.2); c.2041C>T, p.Arg681Ter (NM_001353978.3, NM_001353981.2, NM_001353984.2); short protein forms R614*, R680*, R681*.
Identifiers: ClinVar variation 992316 (VCV000992316.20), dbSNP rs370032584, ClinGen allele CA413122815.